The following is an entry in ClinVar:

ClinVar aggregate classification (germline): Uncertain significance (1 of 4 stars; one submission).

gnomAD v4.1: 1 of 1,613,946 alleles (0.000062%); highest among the groups gnomAD compares: Non-Finnish European, 0.000085%; no homozygotes.

Submission:

Labcorp Genetics (formerly Invitae), Labcorp
Classification: Uncertain significance. Last evaluated: 2026-01-18. Review status: criteria provided, single submitter. Criteria: Invitae Variant Classification Sherloc (09022015). Collection method: clinical testing. Allele origin: germline.
Comment: This sequence change replaces glycine, which is neutral and non-polar, with glutamic acid, which is acidic and polar, at codon 952 of the CFH protein (p.Gly952Glu). This variant is not present in population databases (gnomAD no frequency). This variant has not been reported in the literature in individuals affected with CFH-related conditions. An algorithm developed to predict the effect of missense changes on protein structure and function outputs the following: PolyPhen-2: "Possibly Damaging". The glutamic acid amino acid residue is found in multiple mammalian species, which suggests that this missense change does not adversely affect protein function. In summary, the available evidence is currently insufficient to determine the role of this variant in disease. Therefore, it has been classified as a Variant of Uncertain Significance.

NM_000186.4(CFH):c.2855G>A (p.Gly952Glu)

Gene: CFH (complement factor H; plus strand). Cytogenetic location: 1q31.3.
Variant type: single nucleotide variant.
Coding change: c.2855G>A on transcript NM_000186.4 (MANE Select); coding-DNA position 2855, G replaced by A.
Protein change: p.Gly952Glu; replaces glycine 952 with glutamic acid.
Molecular consequence: missense variant.
Genome position (GRCh38, 1-based): chr1:196,740,691, G>A. VCF-style: chr1-196740691-G-A. GRCh37 (hg19) VCF-style: chr1-196709821-G-A.
Other names: short protein forms G952E.
Identifiers: ClinVar variation 4744896 (VCV004744896.1).